The following is an entry in ClinVar:

NM_005245.4(FAT1):c.11592G>A (p.Thr3864=)

Gene: FAT1 (FAT atypical cadherin 1; minus strand). Cytogenetic location: 4q35.2.
Variant type: single nucleotide variant.
Coding change: c.11592G>A on transcript NM_005245.4 (MANE Select); coding-DNA position 11592, G replaced by A.
Protein change: p.Thr3864=; no amino-acid change (threonine 3864 retained).
Molecular consequence: synonymous variant.
Genome position (GRCh38, 1-based): chr4:186,601,317, C>T on the plus strand (G>A on the coding strand, the complement: FAT1 is on the minus strand). VCF-style: chr4-186601317-C-T. GRCh37 (hg19) VCF-style: chr4-187522471-C-T.
Identifiers: ClinVar variation 3048168 (VCV003048168.2), dbSNP rs141298894, ClinGen allele CA3165060.

ClinVar aggregate classification (germline): Likely benign (0 of 4 stars; one submission).

Conditions:
FAT1-related disorder. Also called: FAT1-related condition.

gnomAD v4.1: 11 of 1,611,500 alleles (0.00068%); highest among the groups gnomAD compares: African/African-American, 0.0027%; no homozygotes.

Submission:

PreventionGenetics, part of Exact Sciences
Classification: Likely benign for FAT1-related condition. Last evaluated: 2023-04-12. Review status: no assertion criteria provided. Collection method: clinical testing. Allele origin: germline.
Comment: This variant is classified as likely benign based on ACMG/AMP sequence variant interpretation guidelines (Richards et al. 2015 PMID: 25741868, with internal and published modifications).